The following is an entry in ClinVar:

NM_032607.3(CREB3L3):c.32C>T (p.Ala11Val)

Gene: CREB3L3 (cAMP responsive element binding protein 3 like 3; plus strand). Cytogenetic location: 19p13.3.
Variant type: single nucleotide variant.
Coding change: c.32C>T on transcript NM_032607.3 (MANE Select); coding-DNA position 32, C replaced by T.
Protein change: p.Ala11Val; replaces alanine 11 with valine.
Molecular consequence: missense variant.
Genome position (GRCh38, 1-based): chr19:4,154,903, C>T. VCF-style: chr19-4154903-C-T. GRCh37 (hg19) VCF-style: chr19-4154900-C-T.
Other names: c.32C>T, p.Ala11Val (NM_001271995.2, NM_001271996.2, NM_001271997.2); short protein forms A11V.
Identifiers: ClinVar variation 3385280 (VCV003385280.1).

ClinVar aggregate classification (germline): Uncertain significance (1 of 4 stars; one submission).

Submission:

Women's Health and Genetics/Laboratory Corporation of America, LabCorp
Classification: Uncertain significance. Last evaluated: 2024-10-16. Review status: criteria provided, single submitter. Criteria: LabCorp Variant Classification Summary - May 2015. Collection method: clinical testing. Allele origin: germline.
Comment: Variant summary: CREB3L3 c.32C>T (p.Ala11Val) results in a non-conservative amino acid change in the encoded protein sequence. Three of five in-silico tools predict a damaging effect of the variant on protein function. The variant was absent in 251188 control chromosomes. The available data on variant occurrences in the general population are insufficient to allow any conclusion about variant significance. To our knowledge, no occurrence of c.32C>T in individuals affected with Hypertriglyceridemia 2 and no experimental evidence demonstrating its impact on protein function have been reported. No submitters have cited clinical-significance assessments for this variant to ClinVar. Based on the evidence outlined above, the variant was classified as uncertain significance.